The following is an entry in ClinVar:

ClinVar aggregate classification (germline): Likely benign (0 of 4 stars; one submission).

Conditions:
TJP1-related disorder. Also called: TJP1-related condition.

Allele frequency attached by ClinVar (database versions not stated): gnomAD exomes 0.00001; ExAC 0.00002; TOPMed 0.00002; gnomAD 0.00005; ESP Exome Variant Server 0.00008.
gnomAD v4.1: 20 of 1,613,794 alleles (0.0012%); highest among the groups gnomAD compares: African/African-American, 0.017%; no homozygotes.

Submission:

PreventionGenetics, part of Exact Sciences
Classification: Likely benign for TJP1-related condition. Last evaluated: 2020-02-26. Review status: no assertion criteria provided. Collection method: clinical testing. Allele origin: germline.
Comment: This variant is classified as likely benign based on ACMG/AMP sequence variant interpretation guidelines (Richards et al. 2015 PMID: 25741868, with internal and published modifications).

NM_001330239.4(TJP1):c.4032T>C (p.Asn1344=)

Gene: TJP1 (tight junction protein 1; minus strand). Cytogenetic location: 15q13.1.
Variant type: single nucleotide variant.
Coding change: c.4032T>C on transcript NM_001330239.4 (MANE Select); coding-DNA position 4032, T replaced by C.
Protein change: p.Asn1344=; no amino-acid change (asparagine 1344 retained).
Molecular consequence: synonymous variant.
Genome position (GRCh38, 1-based): chr15:29,716,781, A>G on the plus strand (T>C on the coding strand, the complement: TJP1 is on the minus strand). VCF-style: chr15-29716781-A-G. GRCh37 (hg19) VCF-style: chr15-30008985-A-G.
Other names: c.4311T>C, p.Asn1437= (NM_001301025.3, NM_001355012.2); c.3804T>C, p.Asn1268= (NM_001301026.2); c.4044T>C, p.Asn1348= (NM_001355013.1); c.4032T>C, p.Asn1344= (NM_001355014.2, NM_003257.5); c.3792T>C, p.Asn1264= (NM_001355015.2, NM_175610.4).
Identifiers: ClinVar variation 3044006 (VCV003044006.2), dbSNP rs148237770, ClinGen allele CA7446614.
Genomic context (GRCh38, chr15:29,716,781, plus strand): 5'-TCGGTCAAAGTATGACAGCTGTTTTCGATAATATTCTTCATCTTCTTCAGGGTCATAATG[A>G]TTGGACCGAACAATATCTTCAGGTGGCTTCAGTTGAGGTTTTTGAGGTTCTGGGATCCTA-3'
Protein context (NP_001317168.1, residues 1334-1354): LKPPEDIVRS[Asn1344=]HYDPEEDEEY